The following is an entry in ClinVar:

NM_014908.4(DOLK):c.1327G>A (p.Gly443Ser)

Gene: DOLK (dolichol kinase; minus strand). Cytogenetic location: 9q34.11.
Variant type: single nucleotide variant.
Coding change: c.1327G>A on transcript NM_014908.4 (MANE Select); coding-DNA position 1327, G replaced by A.
Protein change: p.Gly443Ser; replaces glycine 443 with serine.
Molecular consequence: missense variant.
Genome position (GRCh38, 1-based): chr9:128,945,977, C>T on the plus strand (G>A on the coding strand, the complement: DOLK is on the minus strand). VCF-style: chr9-128945977-C-T. GRCh37 (hg19) VCF-style: chr9-131708256-C-T.
Other names: short protein forms G443S.
Identifiers: ClinVar variation 1708639 (VCV001708639.6), dbSNP rs771383896, ClinGen allele CA5271584.
Genomic context (GRCh38, chr9:128,945,977, plus strand): 5'-CCCCCATGGTGCTACCGAAGATGGAGGCCACAGTATCACCCACACCCACAGCCAGGACAC[C>T]GGCATAGGGGACGAGGGCCCTGGCTCCTCCCAGGCTACCCTTCTGTGTGCAGGGTCTGGG-3'
Protein context (NP_055723.1, residues 433-453): GGARALVPYA[Gly443Ser]VLAVGVGDTV

ClinVar aggregate classification (germline): Uncertain significance. Review status: criteria provided, multiple submitters, no conflicts (2 of 4 stars). 3 submissions from 3 submitters: Uncertain significance (3). Last evaluated 2023-07-20.

Conditions:
Cardiovascular phenotype. Identifiers: MedGen CN230736.
DK1-congenital disorder of glycosylation. Also called: DK1-CDG; DOLK-congenital disorder of glycosylation; Carbohydrate deficient glycoprotein syndrome type 1m; CONGENITAL DISORDER OF GLYCOSYLATION, TYPE Im; DK1 DEFICIENCY; DOLICHOL KINASE DEFICIENCY. Identifiers: Orphanet 91131, MedGen C1835849, MONDO:0012556, OMIM 610768.

Allele frequency attached by ClinVar (database versions not stated): TOPMed below 0.00001; gnomAD 0.00001; gnomAD exomes 0.00001.
gnomAD v4.1: 11 of 1,614,028 alleles (0.00068%); highest among the groups gnomAD compares: East Asian, 0.0022%; no homozygotes.

Submissions (3):

Ambry Genetics
Classification: Uncertain significance for Cardiovascular phenotype. Last evaluated: 2023-07-20. Review status: criteria provided, single submitter. Criteria: Ambry Variant Classification Scheme 2023. Collection method: clinical testing. Allele origin: germline.
Comment: The p.G443S variant (also known as c.1327G>A), located in coding exon 1 of the DOLK gene, results from a G to A substitution at nucleotide position 1327. The glycine at codon 443 is replaced by serine, an amino acid with similar properties. This amino acid position is conserved. In addition, this alteration is predicted to be deleterious by in silico analysis. Since supporting evidence is limited at this time, the clinical significance of this alteration remains unclear.

Labcorp Genetics (formerly Invitae), Labcorp
Classification: Uncertain significance for DK1-congenital disorder of glycosylation. Last evaluated: 2022-06-14. Review status: criteria provided, single submitter. Criteria: Invitae Variant Classification Sherloc (09022015). Collection method: clinical testing. Allele origin: germline.
Comment: This sequence change replaces glycine, which is neutral and non-polar, with serine, which is neutral and polar, at codon 443 of the DOLK protein (p.Gly443Ser). This variant is present in population databases (rs771383896, gnomAD 0.007%). This variant has not been reported in the literature in individuals affected with DOLK-related conditions. Algorithms developed to predict the effect of missense changes on protein structure and function (SIFT, PolyPhen-2, Align-GVGD) all suggest that this variant is likely to be disruptive. In summary, the available evidence is currently insufficient to determine the role of this variant in disease. Therefore, it has been classified as a Variant of Uncertain Significance.

GeneDx
Classification: Uncertain significance. Last evaluated: 2022-04-07. Review status: criteria provided, single submitter. Criteria: GeneDx Variant Classification Process June 2021. Collection method: clinical testing. Allele origin: germline. Affected: yes.
Comment: Has not been previously published as pathogenic or benign to our knowledge; Not observed at significant frequency in large population cohorts (gnomAD); In silico analysis supports that this missense variant has a deleterious effect on protein structure/function